The following is an entry in ClinVar:

ClinVar aggregate classification (germline): Uncertain significance (1 of 4 stars; one submission).

Conditions:
Combined immunodeficiency due to LRBA deficiency. Also called: Common variable immunodeficiency 8, with autoimmunity. Identifiers: Orphanet 445018, MedGen C3553512, MONDO:0013863, OMIM 614700.

Allele frequency attached by ClinVar (database versions not stated): gnomAD exomes below 0.00001; TOPMed 0.00001; ESP Exome Variant Server 0.00008.
gnomAD v4.1: 2 of 1,613,934 alleles (0.00012%); highest among the groups gnomAD compares: African/African-American, 0.0027%; no homozygotes.

Submission:

Labcorp Genetics (formerly Invitae), Labcorp
Classification: Uncertain significance for Combined immunodeficiency due to LRBA deficiency. Last evaluated: 2024-10-22. Review status: criteria provided, single submitter. Criteria: Invitae Variant Classification Sherloc (09022015). Collection method: clinical testing. Allele origin: germline.
Comment: This sequence change falls in intron 37 of the LRBA gene. It does not directly change the encoded amino acid sequence of the LRBA protein. It affects a nucleotide within the consensus splice site. This variant is present in population databases (rs377047091, gnomAD 0.008%). This variant has not been reported in the literature in individuals affected with LRBA-related conditions. ClinVar contains an entry for this variant (Variation ID: 1896164). Variants that disrupt the consensus splice site are a relatively common cause of aberrant splicing (PMID: 17576681, 9536098). Algorithms developed to predict the effect of sequence changes on RNA splicing suggest that this variant is not likely to affect RNA splicing. In summary, the available evidence is currently insufficient to determine the role of this variant in disease. Therefore, it has been classified as a Variant of Uncertain Significance.

Literature cited by the submitters: PubMed 17576681; PubMed 9536098.

NM_001364905.1(LRBA):c.5922-3T>A

Gene: LRBA (LPS responsive beige-like anchor protein; minus strand). Cytogenetic location: 4q31.3.
Variant type: single nucleotide variant.
Coding change: c.5922-3T>A on transcript NM_001364905.1 (MANE Select); 3 bases into the intron before coding-DNA position 5922, T replaced by A.
Molecular consequence: intron variant.
Genome position (GRCh38, 1-based): chr4:150,599,134, A>T on the plus strand (T>A on the coding strand, the complement: LRBA is on the minus strand). VCF-style: chr4-150599134-A-T. GRCh37 (hg19) VCF-style: chr4-151520286-A-T.
Other names: c.5922-3T>A (NM_001367550.1, NM_006726.5, NM_001199282.3 and 2 more transcripts).
Identifiers: ClinVar variation 1896164 (VCV001896164.5), dbSNP rs377047091, ClinGen allele CA108379995.
Genomic context (GRCh38, chr4:150,599,134, plus strand): 5'-TCGCCGGCGCCGCAAGTCATCTTCCCAGTAGTCAAGGCGCCAGAACTCAAGAGGACGACT[A>T]CAATGAAACAGAGAAGCCACATATGTTAGCAATTATCAAACAGCGTGGTAGCACTGAATT-3'